The following is an entry in ClinVar:

ClinVar aggregate classification (germline): Uncertain significance (1 of 4 stars; one submission).

Conditions:
Hypertrophic cardiomyopathy 1 (CMH1). Also called: Familial hypertrophic cardiomyopathy 1; MYH7-Related Familial Hypertrophic Cardiomyopathy. Identifiers: MedGen C3495498, MONDO:0008647, OMIM 192600.

Submission:

Labcorp Genetics (formerly Invitae), Labcorp
Classification: Uncertain significance for Hypertrophic cardiomyopathy 1. Last evaluated: 2022-09-27. Review status: criteria provided, single submitter. Criteria: Invitae Variant Classification Sherloc (09022015). Collection method: clinical testing. Allele origin: unknown.
Comment: A copy number gain of the genomic region encompassing the full coding sequence of the MYLK2 gene has been identified. The boundaries of this event are unknown as they extend beyond the assayed region for this gene and therefore may encompass additional genes. As the precise location of this event is unknown, it may be in tandem or it may be located elsewhere in the genome. In summary, the available evidence is currently insufficient to determine the role of this variant in disease. Therefore, it has been classified as a Variant of Uncertain Significance. This variant has not been reported in the literature in individuals affected with MYLK2-related conditions.

NC_000020.10:g.(?_30407384)_(30421600_?)dup

Gene: MYLK2 (myosin light chain kinase 2; plus strand). Cytogenetic location: 20q11.21.
Variant type: Duplication.
Identifiers: ClinVar variation 3248298 (VCV003248298.1).